The following is an entry in ClinVar:

ClinVar aggregate classification (germline): Pathogenic. Review status: criteria provided, multiple submitters, no conflicts (2 of 4 stars). 6 submissions from 6 submitters: Pathogenic (5). 1 of the submissions does not count toward it. Last evaluated 2024-05-24.

Conditions:
ITGB2-related disorder. Also called: ITGB2-related condition.
Leukocyte adhesion deficiency 1 (LAD1). Also called: LEUKOCYTE ADHESION DEFICIENCY, TYPE I; LAD 1; Lymphocyte function-associated antigen 1 immunodeficiency; LFA 1 immunodeficiency. Identifiers: Orphanet 2968, Orphanet 99842, MedGen C0398738, MONDO:0007293, OMIM 116920.

Allele frequency attached by ClinVar (database versions not stated): gnomAD exomes 0.00001 and 0.00002; TOPMed 0.00001; gnomAD 0.00001.

Submissions (6):

GeneDx
Classification: Pathogenic. Last evaluated: 2024-05-24. Review status: criteria provided, single submitter. Criteria: GeneDx Variant Classification Process June 2021. Collection method: clinical testing. Allele origin: germline. Affected: yes.
Comment: Published functional studies demonstrate reduced expression of CD11b/CD18 heterodimers supporting a deleterious effect on protein function (PMID: 1968911); Not observed at significant frequency in large population cohorts (gnomAD); In silico analysis supports that this missense variant has a deleterious effect on protein structure/function; This variant is associated with the following publications: (PMID: 34310689, 25514840, 33391282, 11703376, 25703682, 33365035, 1968911, 12488604, 29750748, 37601427, 22134107, 36696755, 7705401)

Labcorp Genetics (formerly Invitae), Labcorp
Classification: Pathogenic for Leukocyte adhesion deficiency 1. Last evaluated: 2023-06-09. Review status: criteria provided, single submitter. Criteria: Invitae Variant Classification Sherloc (09022015). Collection method: clinical testing. Allele origin: germline.
Comment: Advanced modeling of protein sequence and biophysical properties (such as structural, functional, and spatial information, amino acid conservation, physicochemical variation, residue mobility, and thermodynamic stability) has been performed at Invitae for this missense variant, however the output from this modeling did not meet the statistical confidence thresholds required to predict the impact of this variant on ITGB2 protein function. For these reasons, this variant has been classified as Pathogenic. Experimental studies are conflicting or provide insufficient evidence to determine the effect of this variant on ITGB2 function (PMID: 1968911, 11703376). ClinVar contains an entry for this variant (Variation ID: 9458). This missense change has been observed in individual(s) with leukocyte adhesion deficiency (PMID: 1968911, 7705401, 11703376, 12488604, 25703682). In at least one individual the variant was observed to be de novo. This variant is present in population databases (rs137852609, gnomAD 0.003%). This sequence change replaces arginine, which is basic and polar, with cysteine, which is neutral and slightly polar, at codon 593 of the ITGB2 protein (p.Arg593Cys).

PreventionGenetics, part of Exact Sciences
Classification: Pathogenic for ITGB2-related condition. Last evaluated: 2023-04-24. Review status: criteria provided, single submitter. Criteria: ACMG Guidelines, 2015. Collection method: clinical testing. Allele origin: germline.
Comment: The ITGB2 c.1777C>T variant is predicted to result in the amino acid substitution p.Arg593Cys. This variant has been previously reported in the homozygous or compound heterozygous state in individuals with leukocyte adhesion deficiency (Arnaout et al. 1990. PubMed ID: 1968911; Wright et al. 1995. PubMed ID: 7705401; Fathallah et al. 2001. PubMed ID: 12488604; patient TB in Shaw et al. 2001. PubMed ID: 11703376; P16 in Madkaikar et al. 2015. PubMed ID: 25703682; Yaz et al. 2021. PubMed ID: 34310689). This variant is reported in 0.0029% of alleles in individuals of Latino descent in gnomAD. This variant is interpreted as pathogenic.

Department of Human Genetics, Hannover Medical School
Classification: Pathogenic for Leukocyte adhesion deficiency 1. Last evaluated: 2022-06-29. Review status: criteria provided, single submitter. Criteria: ACMG Guidelines, 2015. Collection method: clinical testing. Allele origin: germline. Inheritance: Autosomal recessive inheritance. Affected: yes.

3billion
Classification: Pathogenic for Leukocyte adhesion deficiency 1. Last evaluated: 2022-05-22. Review status: criteria provided, single submitter. Criteria: ACMG Guidelines, 2015. Collection method: clinical testing. Allele origin: germline. Affected: yes. Observed: 1 homozygote.
Comment: The variant has been previously observed in at least two affected individuals with a consistent phenotype from unrelated families (PMID: 25703682, 11703376). In silico prediction tools and conservation analysis predicted that this variant was probably damaging to the protein structure/function (REVEL: 0.857>=0.6). It has been reported with an extremely low frequency in the gnomAD v2.1.1 dataset. Amino acid change identical to known pathogenic variant has been previously reported with established evidence (ClinVar ID: VCV000009458, PMID:1968911). (PS1_S). The same variant was previously reported in trans with another pathogenic variant in this gene at least 2 times (PMID: 1968911, 7705401). Therefore, this variant is classified as pathogenic according to the recommendation of ACMG/AMP guideline.

OMIM
Classification: Pathogenic for LEUKOCYTE ADHESION DEFICIENCY 1. Last evaluated: 1990-03-01. Review status: no assertion criteria provided. Collection method: literature only. Allele origin: germline. Not counted in ClinVar's aggregate classification.

Literature cited by the submitters: PubMed 1968911 (cited by 3 submitters); PubMed 11703376 (cited by Labcorp Genetics (formerly Invitae), Labcorp and 3billion); PubMed 7705401 (cited by Labcorp Genetics (formerly Invitae), Labcorp and 3billion); PubMed 12488604 (cited by Labcorp Genetics (formerly Invitae), Labcorp); PubMed 25703682 (cited by Labcorp Genetics (formerly Invitae), Labcorp and 3billion).

NM_000211.5(ITGB2):c.1777C>T (p.Arg593Cys)

Gene: ITGB2 (integrin subunit beta 2; minus strand). Cytogenetic location: 21q22.3.
Variant type: single nucleotide variant.
Coding change: c.1777C>T on transcript NM_000211.5 (MANE Select); coding-DNA position 1777, C replaced by T.
Protein change: p.Arg593Cys; replaces arginine 593 with cysteine.
Molecular consequence: missense variant.
Genome position (GRCh38, 1-based): chr21:44,889,376, G>A on the plus strand (C>T on the coding strand, the complement: ITGB2 is on the minus strand). VCF-style: chr21-44889376-G-A. GRCh37 (hg19) VCF-style: chr21-46309291-G-A.
Other names: c.1777C>T, p.Arg593Cys (LRG_76t1, NM_001127491.3); c.1777C>T (NM_000211.3); c.1570C>T, p.Arg524Cys (NM_001303238.2); short protein forms R593C, R524C.
Identifiers: ClinVar variation 9458 (VCV000009458.17), dbSNP rs137852609, ClinGen allele CA120440.
Genomic context (GRCh38, chr21:44,889,376, plus strand): 5'-GGCACAGAGGCAGCTGGTAGCCTGAATGGCACTCGCATACGTTGCAGCGGCACCGGCCAC[G>A]ACCACTACACTCAACACGCCGCGGGTTCAGGCAGCCCTCAGTGGTCCTCTCGCACTGGCA-3'
Protein context (NP_000202.3, residues 583-603): LNPRRVECSG[Arg593Cys]GRCRCNVCEC